The following is an entry in ClinVar:

ClinVar aggregate classification (germline): Likely pathogenic. Review status: criteria provided, multiple submitters, no conflicts (2 of 4 stars). 2 submissions from 2 submitters: Likely pathogenic (2). Last evaluated 2024-03-24.

Conditions:
Arthrogryposis multiplex congenita 6. Identifiers: MedGen C5543431, MONDO:0030281, OMIM 619334.
Nemaline myopathy 2 (NEM2). Also called: Nemaline myopathy 2, autosomal recessive. Identifiers: MedGen C1850569, MONDO:0009725, OMIM 256030.

Allele frequency attached by ClinVar (database versions not stated): ExAC 0.00001.
gnomAD v4.1: 1 of 1,609,996 alleles (0.000062%); highest among the groups gnomAD compares: Non-Finnish European, 0.000085%; no homozygotes.

Submissions (2):

Baylor Genetics
Classification: Likely pathogenic for Arthrogryposis multiplex congenita 6. Last evaluated: 2024-03-24. Review status: criteria provided, single submitter. Criteria: ACMG Guidelines, 2015. Collection method: clinical testing. Allele origin: unknown.

Labcorp Genetics (formerly Invitae), Labcorp
Classification: Likely pathogenic for Nemaline myopathy 2. Last evaluated: 2023-09-08. Review status: criteria provided, single submitter. Criteria: Invitae Variant Classification Sherloc (09022015). Collection method: clinical testing. Allele origin: germline.
Comment: This variant is present in population databases (rs765866533, gnomAD 0.0009%). This variant has not been reported in the literature in individuals affected with NEB-related conditions. ClinVar contains an entry for this variant (Variation ID: 1919295). Algorithms developed to predict the effect of sequence changes on RNA splicing suggest that this variant may disrupt the consensus splice site. In summary, the currently available evidence indicates that the variant is pathogenic, but additional data are needed to prove that conclusively. Therefore, this variant has been classified as Likely Pathogenic. This sequence change affects a donor splice site in intron 152 of the NEB gene. It is expected to disrupt RNA splicing. Variants that disrupt the donor or acceptor splice site typically lead to a loss of protein function (PMID: 16199547), and loss-of-function variants in NEB are known to be pathogenic (PMID: 25205138).

Literature cited by the submitters: PubMed 16199547 (cited by Labcorp Genetics (formerly Invitae), Labcorp); PubMed 25205138 (cited by Labcorp Genetics (formerly Invitae), Labcorp).

NM_001164508.2(NEB):c.22272+1G>A

Genes: NEB (nebulin; minus strand), RIF1 (replication timing regulatory factor 1; plus strand). Cytogenetic location: 2q23.3.
Variant type: single nucleotide variant.
Coding change: c.22272+1G>A on transcript NM_001164508.2 (MANE Select); the canonical splice donor site of the intron after coding-DNA position 22272, G replaced by A.
Molecular consequence: splice donor variant.
Genome position (GRCh38, 1-based): chr2:151,525,162, C>T on the plus strand (G>A on the coding strand, the complement: NEB is on the minus strand). VCF-style: chr2-151525162-C-T. GRCh37 (hg19) VCF-style: chr2-152381676-C-T.
Other names: c.17169+1G>A (NM_004543.5); c.22272+1G>A (NM_001164507.2); c.22377+1G>A (NM_001271208.2, NM_001271208.1).
Identifiers: ClinVar variation 1919295 (VCV001919295.7), dbSNP rs765866533, ClinGen allele CA1906727.